The following is an entry in ClinVar:

NM_024884.3(L2HGDH):c.835G>A (p.Val279Ile)

Gene: L2HGDH (L-2-hydroxyglutarate dehydrogenase; minus strand). Cytogenetic location: 14q21.3.
Variant type: single nucleotide variant.
Coding change: c.835G>A on transcript NM_024884.3 (MANE Select); coding-DNA position 835, G replaced by A.
Protein change: p.Val279Ile; replaces valine 279 with isoleucine.
Molecular consequence: missense variant.
Genome position (GRCh38, 1-based): chr14:50,269,234, C>T on the plus strand (G>A on the coding strand, the complement: L2HGDH is on the minus strand). VCF-style: chr14-50269234-C-T. GRCh37 (hg19) VCF-style: chr14-50735952-C-T.
Other names: short protein forms V279I.
Identifiers: ClinVar variation 435693 (VCV000435693.7), dbSNP rs1555328968, ClinGen allele CA389650421.

ClinVar aggregate classification (germline): Uncertain significance. Review status: criteria provided, multiple submitters, no conflicts (2 of 4 stars). 2 submissions from 2 submitters: Uncertain significance (2). Last evaluated 2025-06-11.

Conditions:
L-2-hydroxyglutaric aciduria (L2HGA). Identifiers: Orphanet 79314, MedGen C1855995, MONDO:0009370, OMIM 236792, HP:0040144.

Allele frequency attached by ClinVar (database versions not stated): gnomAD exomes below 0.00001.

Submissions (2):

Labcorp Genetics (formerly Invitae), Labcorp
Classification: Uncertain significance for L-2-hydroxyglutaric aciduria. Last evaluated: 2025-06-11. Review status: criteria provided, single submitter. Criteria: Invitae Variant Classification Sherloc (09022015). Collection method: clinical testing. Allele origin: germline.
Comment: This sequence change replaces valine, which is neutral and non-polar, with isoleucine, which is neutral and non-polar, at codon 279 of the L2HGDH protein (p.Val279Ile). This variant is not present in population databases (gnomAD no frequency). This variant has not been reported in the literature in individuals affected with L2HGDH-related conditions. ClinVar contains an entry for this variant (Variation ID: 435693). Invitae Evidence Modeling of protein sequence and biophysical properties (such as structural, functional, and spatial information, amino acid conservation, physicochemical variation, residue mobility, and thermodynamic stability) indicates that this missense variant is not expected to disrupt L2HGDH protein function with a negative predictive value of 95%. In summary, the available evidence is currently insufficient to determine the role of this variant in disease. Therefore, it has been classified as a Variant of Uncertain Significance.

Genetic Services Laboratory, University of Chicago
Classification: Uncertain significance. Last evaluated: 2016-07-28. Review status: criteria provided, single submitter. Criteria: ACMG Guidelines, 2015. Collection method: clinical testing. Allele origin: germline. Affected: no.